The following is an entry in ClinVar:

ClinVar aggregate classification (germline): Benign/Likely benign. Review status: criteria provided, multiple submitters, no conflicts (2 of 4 stars). 2 submissions from 2 submitters: Benign (1); Likely benign (1). Last evaluated 2025-02-25.

Conditions:
Breast-ovarian cancer, familial, susceptibility to, 4. Identifiers: Orphanet 145, MedGen C3280345, MONDO:0013669, OMIM 614291.
Hereditary cancer-predisposing syndrome. Also called: Tumor predisposition; Hereditary neoplastic syndrome; Hereditary Cancer Syndrome; Neoplastic Syndromes, Hereditary. Identifiers: Orphanet 140162, MedGen C0027672, MeSH D009386, MONDO:0015356.

Submissions (2):

Myriad Genetics, Inc.
Classification: Benign for Breast-ovarian cancer, familial, susceptibility to, 4. Last evaluated: 2025-02-25. Review status: criteria provided, single submitter. Criteria: Myriad Autosomal Dominant, Autosomal Recessive and X-Linked Classification Criteria (2023). Collection method: clinical testing. Allele origin: unknown.
Comment: This variant is considered benign. This variant is a silent/synonymous amino acid change and it is not expected to impact splicing.

Color Diagnostics, LLC DBA Color Health
Classification: Likely benign for Hereditary cancer-predisposing syndrome. Last evaluated: 2021-02-17. Review status: criteria provided, single submitter. Criteria: ACMG Guidelines, 2015. Collection method: clinical testing. Allele origin: germline.

NM_002878.4(RAD51D):c.894T>C (p.Ser298=)

Genes: RAD51D (RAD51 paralog D; minus strand), RAD51L3-RFFL (RAD51L3-RFFL readthrough; minus strand). Cytogenetic location: 17q12.
Variant type: single nucleotide variant.
Coding change: c.894T>C on transcript NM_002878.4 (MANE Select); coding-DNA position 894, T replaced by C.
Protein change: p.Ser298=; no amino-acid change (serine 298 retained).
Molecular consequence: synonymous variant. On other transcripts: non-coding transcript variant (3).
Genome position (GRCh38, 1-based): chr17:35,101,210, A>G on the plus strand (T>C on the coding strand, the complement: RAD51D is on the minus strand). VCF-style: chr17-35101210-A-G. GRCh37 (hg19) VCF-style: chr17-33428229-A-G.
Other names: c.954T>C, p.Ser318= (NM_001142571.2); c.558T>C, p.Ser186= (NM_133629.3).
Identifiers: ClinVar variation 1171699 (VCV001171699.3), dbSNP rs2142410928, ClinGen allele CA499728700.
Genomic context (GRCh38, chr17:35,101,210, plus strand): 5'-AACCACCCTCCAGGGCCCAAGATTACTGGCATCTTCCTGGGGCTGGCTCACCTGTCGGGA[A>G]GATTTGGCCAGACACGCCATGCGCCGGCCGCCTGATGCTCCTGCTCCCTCGATGGTGTCC-3'
Protein context (NP_002869.3, residues 288-308): GGRRMACLAK[Ser298=]SRQPTGFQEM